The following is an entry in ClinVar:

NM_001079.4(ZAP70):c.1155C>T (p.Arg385=)

Gene: ZAP70 (zeta chain of T cell receptor associated protein kinase 70; plus strand). Cytogenetic location: 2q11.2.
Variant type: single nucleotide variant.
Coding change: c.1155C>T on transcript NM_001079.4 (MANE Select); coding-DNA position 1155, C replaced by T.
Protein change: p.Arg385=; no amino-acid change (arginine 385 retained).
Molecular consequence: synonymous variant.
Genome position (GRCh38, 1-based): chr2:97,735,322, C>T. VCF-style: chr2-97735322-C-T. GRCh37 (hg19) VCF-style: chr2-98351785-C-T.
Other names: c.1155C>T, p.Arg385= (NM_001378594.1); c.234C>T, p.Arg78= (NM_207519.2).
Identifiers: ClinVar variation 36914 (VCV000036914.9), dbSNP rs193922633, ClinGen allele CA214391.
Genomic context (GRCh38, chr2:97,735,322, plus strand): 5'-CGTGGCCATCAAGGTGCTGAAGCAGGGCACGGAGAAGGCAGACACGGAAGAGATGATGCG[C>T]GAGGCGCAGATCATGCACCAGCTGGACAACCCCTACATCGTGCGGCTCATTGGCGTCTGC-3'
Protein context (NP_001070.2, residues 375-395): TEKADTEEMM[Arg385=]EAQIMHQLDN

ClinVar aggregate classification (germline): Likely benign. Review status: criteria provided, multiple submitters, no conflicts (2 of 4 stars). 2 submissions from 2 submitters: Likely benign (2). Last evaluated 2024-11-05.

Conditions:
Severe combined immunodeficiency disease. Also called: Severe Combined Immune Deficiency; Severe combined immunodeficiency. Identifiers: Orphanet 183660, MedGen C0085110, MeSH D016511, MONDO:0015974, HP:0004430. Inheritance: X-Linked or Autosomal recessive.
Combined immunodeficiency due to ZAP70 deficiency (IMD48). Also called: ZAP70 Deficiency; Immunodeficiency 48. Identifiers: Orphanet 911, MedGen C2931299, MONDO:0010023, OMIM 269840.

Allele frequency attached by ClinVar (database versions not stated): TOPMed 0.00005; gnomAD 0.00004; ESP Exome Variant Server 0.00008.
gnomAD v4.1: 47 of 1,614,142 alleles (0.0029%); highest among the groups gnomAD compares: African/African-American, 0.012%; no homozygotes.

Submissions (2):

Labcorp Genetics (formerly Invitae), Labcorp
Classification: Likely benign for Combined immunodeficiency due to ZAP70 deficiency. Last evaluated: 2024-11-05. Review status: criteria provided, single submitter. Criteria: Invitae Variant Classification Sherloc (09022015). Collection method: clinical testing. Allele origin: germline.

Women's Health and Genetics/Laboratory Corporation of America, LabCorp
Classification: Likely benign for SCID. Last evaluated: 2011-08-18. Review status: criteria provided, single submitter. Criteria: LabCorp Variant Classification Summary - May 2015. Collection method: curation, clinical testing. Allele origin: germline. Inheritance: autosomal unknown. Affected: yes.
ClinVar note: Converted during submission from likely benign to Likely benign.